The following is an entry in ClinVar:

NM_001080517.3(SETD5):c.2000G>A (p.Ser667Asn)

Gene: SETD5 (SET domain containing 5; plus strand). Cytogenetic location: 3p25.3.
Variant type: single nucleotide variant.
Coding change: c.2000G>A on transcript NM_001080517.3 (MANE Select); coding-DNA position 2000, G replaced by A.
Protein change: p.Ser667Asn; replaces serine 667 with asparagine.
Molecular consequence: missense variant.
Genome position (GRCh38, 1-based): chr3:9,447,903, G>A. VCF-style: chr3-9447903-G-A. GRCh37 (hg19) VCF-style: chr3-9489587-G-A.
Other names: c.1706G>A, p.Ser569Asn (NM_001292043.2, NM_001349451.2); short protein forms S569N, S667N.
Identifiers: ClinVar variation 1800759 (VCV001800759.2), dbSNP rs893507557, ClinGen allele CA351699174.
Genomic context (GRCh38, chr3:9,447,903, plus strand): 5'-CCTTGGAAGAGGGAGGAAGTAACAGTTTAGTAACTCCTACTGAAGCTGGAAGTCTAGACA[G>A]TTCAGGAGAAAACAGGCCATTAACAGGGTCTGACCCAACTGTGGTGTCAATTACTGGATC-3'
Protein context (NP_001073986.1, residues 657-677): VTPTEAGSLD[Ser667Asn]SGENRPLTGS

ClinVar aggregate classification (germline): Uncertain significance (1 of 4 stars; one submission).

gnomAD v4.1: 3 of 1,613,960 alleles (0.00019%); highest among the groups gnomAD compares: Non-Finnish European, 0.00025%; no homozygotes.

Submission:

GeneDx
Classification: Uncertain significance. Last evaluated: 2023-01-06. Review status: criteria provided, single submitter. Criteria: GeneDx Variant Classification Process June 2021. Collection method: clinical testing. Allele origin: germline.
Comment: Not observed at significant frequency in large population cohorts (gnomAD); In silico analysis supports that this missense variant does not alter protein structure/function; Has not been previously published as pathogenic or benign to our knowledge